The following is an entry in ClinVar:

NM_014254.3(RXYLT1):c.476_477insTATT (p.Asn160fs)

Gene: RXYLT1 (ribitol xylosyltransferase 1; plus strand). Cytogenetic location: 12q14.2.
Variant type: Insertion.
Coding change: c.476_477insTATT on transcript NM_014254.3 (MANE Select); coding-DNA positions 476 to 477, TATT inserted.
Protein change: p.Asn160fs; shifts the reading frame from asparagine 160.
Molecular consequence: frameshift variant. On other transcripts: 5 prime UTR variant (1).
Genome position: GRCh38 VCF-style: chr12-63802137-G-GTTAT. GRCh37 (hg19) VCF-style: chr12-64195917-G-GTTAT.
Other names: c.-305_-304insTATT (NM_001278237.2); short protein forms N160fs.
Identifiers: ClinVar variation 2695470 (VCV002695470.3), dbSNP rs2500519378, ClinGen allele CA2697559349.

ClinVar aggregate classification (germline): Pathogenic (1 of 4 stars; one submission).

Submission:

Labcorp Genetics (formerly Invitae), Labcorp
Classification: Pathogenic. Last evaluated: 2023-11-13. Review status: criteria provided, single submitter. Criteria: Invitae Variant Classification Sherloc (09022015). Collection method: clinical testing. Allele origin: germline.
Comment: This sequence change creates a premature translational stop signal (p.Asn160Ilefs*3) in the RXYLT1 gene. It is expected to result in an absent or disrupted protein product. Loss-of-function variants in RXYLT1 are known to be pathogenic (PMID: 23217329, 23519211, 31742715). This variant is not present in population databases (gnomAD no frequency). This variant has not been reported in the literature in individuals affected with RXYLT1-related conditions. For these reasons, this variant has been classified as Pathogenic.

Literature cited by the submitters: PubMed 23217329; PubMed 23519211; PubMed 31742715.